The following is an entry in ClinVar:

ClinVar aggregate classification (germline): Uncertain significance (1 of 4 stars; one submission).

Conditions:
Developmental and epileptic encephalopathy 94 (DEE94). Also called: CHD2-Related Neurodevelopmental Disorders; Epileptic encephalopathy, childhood-onset. Identifiers: Orphanet 1942, Orphanet 2382, MedGen C3809278, MONDO:0014150, OMIM 615369.

Submission:

Labcorp Genetics (formerly Invitae), Labcorp
Classification: Uncertain significance for Developmental and epileptic encephalopathy 94. Last evaluated: 2024-04-24. Review status: criteria provided, single submitter. Criteria: Invitae Variant Classification Sherloc (09022015). Collection method: clinical testing. Allele origin: germline.
Comment: This sequence change replaces alanine, which is neutral and non-polar, with glycine, which is neutral and non-polar, at codon 1196 of the CHD2 protein (p.Ala1196Gly). This variant is not present in population databases (gnomAD no frequency). This variant has not been reported in the literature in individuals affected with CHD2-related conditions. Advanced modeling of protein sequence and biophysical properties (such as structural, functional, and spatial information, amino acid conservation, physicochemical variation, residue mobility, and thermodynamic stability) performed at Invitae indicates that this missense variant is not expected to disrupt CHD2 protein function with a negative predictive value of 95%. In summary, the available evidence is currently insufficient to determine the role of this variant in disease. Therefore, it has been classified as a Variant of Uncertain Significance.

NM_001271.4(CHD2):c.3587C>G (p.Ala1196Gly)

Gene: CHD2 (chromodomain helicase DNA binding protein 2; plus strand). Cytogenetic location: 15q26.1.
Variant type: single nucleotide variant.
Coding change: c.3587C>G on transcript NM_001271.4 (MANE Select); coding-DNA position 3587, C replaced by G.
Protein change: p.Ala1196Gly; replaces alanine 1196 with glycine.
Molecular consequence: missense variant.
Genome position (GRCh38, 1-based): chr15:92,992,990, C>G. VCF-style: chr15-92992990-C-G. GRCh37 (hg19) VCF-style: chr15-93536220-C-G.
Other names: short protein forms A1196G.
Identifiers: ClinVar variation 2812060 (VCV002812060.3), dbSNP rs2505580732, ClinGen allele CA393896814.